The following is an entry in ClinVar:

NM_000057.4(BLM):c.1726G>A (p.Ala576Thr)

Gene: BLM (BLM RecQ like helicase; plus strand). Cytogenetic location: 15q26.1.
Variant type: single nucleotide variant.
Coding change: c.1726G>A on transcript NM_000057.4 (MANE Select); coding-DNA position 1726, G replaced by A.
Protein change: p.Ala576Thr; replaces alanine 576 with threonine.
Molecular consequence: missense variant.
Genome position (GRCh38, 1-based): chr15:90,761,099, G>A. VCF-style: chr15-90761099-G-A. GRCh37 (hg19) VCF-style: chr15-91304329-G-A.
Other names: c.1726G>A, p.Ala576Thr (NM_001287246.2, NM_001287247.2); c.601G>A, p.Ala201Thr (NM_001287248.2); short protein forms A201T, A576T.
Identifiers: ClinVar variation 1778867 (VCV001778867.7), dbSNP rs2505428472, ClinGen allele CA393843713.
Genomic context (GRCh38, chr15:90,761,099, plus strand): 5'-TTTGACATAGATGACTTTGATGATGATGATGACTGGGAAGACATAATGCATAATTTAGCA[G>A]CCAGCAAATCTTCCACAGCTGCCTATCAACCCATCAAGGAAGGTCGGCCAATTAAATCAG-3'
Protein context (NP_000048.1, residues 566-586): DWEDIMHNLA[Ala576Thr]SKSSTAAYQP

ClinVar aggregate classification (germline): Uncertain significance. Review status: criteria provided, multiple submitters, no conflicts (2 of 4 stars). 2 submissions from 2 submitters: Uncertain significance (2). Last evaluated 2022-10-12.

Conditions:
Hereditary cancer-predisposing syndrome. Also called: Neoplastic Syndromes, Hereditary; Tumor predisposition; Hereditary Cancer Syndrome; Hereditary neoplastic syndrome. Identifiers: Orphanet 140162, MedGen C0027672, MeSH D009386, MONDO:0015356.
Bloom syndrome (BLM). Also called: Bloom-Torre-Machacek syndrome. Identifiers: Orphanet 125, MedGen C0005859, MONDO:0008876, OMIM 210900.

Allele frequency attached by ClinVar (database versions not stated): gnomAD exomes below 0.00001.
gnomAD v4.1: 1 of 1,548,614 alleles (0.000065%); highest among the groups gnomAD compares: Non-Finnish European, 0.000087%; no homozygotes.

Submissions (2):

Ambry Genetics
Classification: Uncertain significance for Hereditary cancer-predisposing syndrome. Last evaluated: 2022-10-12. Review status: criteria provided, single submitter. Criteria: Ambry Variant Classification Scheme 2023. Collection method: clinical testing. Allele origin: germline.
Comment: The p.A576T variant (also known as c.1726G>A), located in coding exon 6 of the BLM gene, results from a G to A substitution at nucleotide position 1726. The alanine at codon 576 is replaced by threonine, an amino acid with similar properties. This amino acid position is conserved. In addition, this alteration is predicted to be tolerated by in silico analysis. Since supporting evidence is limited at this time, the clinical significance of this alteration remains unclear.

Labcorp Genetics (formerly Invitae), Labcorp
Classification: Uncertain significance for Bloom syndrome. Last evaluated: 2022-09-21. Review status: criteria provided, single submitter. Criteria: Invitae Variant Classification Sherloc (09022015). Collection method: clinical testing. Allele origin: germline.
Comment: Advanced modeling of protein sequence and biophysical properties (such as structural, functional, and spatial information, amino acid conservation, physicochemical variation, residue mobility, and thermodynamic stability) performed at Invitae indicates that this missense variant is not expected to disrupt BLM protein function. This variant has not been reported in the literature in individuals affected with BLM-related conditions. This variant is not present in population databases (gnomAD no frequency). This sequence change replaces alanine, which is neutral and non-polar, with threonine, which is neutral and polar, at codon 576 of the BLM protein (p.Ala576Thr). In summary, the available evidence is currently insufficient to determine the role of this variant in disease. Therefore, it has been classified as a Variant of Uncertain Significance.